The following is an entry in ClinVar:

ClinVar aggregate classification (germline): Pathogenic/Likely pathogenic. Review status: criteria provided, multiple submitters, no conflicts (2 of 4 stars). 7 submissions from 7 submitters: Pathogenic (6); Likely pathogenic (1). Last evaluated 2024-10-16.

Conditions:
Inherited breast cancer and ovarian cancer.
Breast neoplasm. Also called: Breast Neoplasms; Neoplasm of breast; Neoplasm of the breast; Breast tumor. Identifiers: MedGen C1458155, MeSH D001943, MONDO:0021100, HP:0100013. Disease mechanism: gain of function.
Hereditary cancer-predisposing syndrome. Also called: Neoplastic Syndromes, Hereditary; Tumor predisposition; Hereditary Cancer Syndrome; Hereditary neoplastic syndrome. Identifiers: Orphanet 140162, MedGen C0027672, MeSH D009386, MONDO:0015356.
Hereditary breast ovarian cancer syndrome. Also called: Hereditary breast and ovarian cancer; Hereditary breast and ovarian cancer syndrome (HBOC); Breast and ovarian cancer; Hereditary breast and ovarian cancer syndrome; BRCA1- and BRCA2-Associated Hereditary Breast and Ovarian Cancer; Hereditary breast and/or ovarian cancer syndrome. Identifiers: Orphanet 145, MedGen C0677776, MeSH D061325, MONDO:0003582. Disease mechanism: loss of function.
Breast-ovarian cancer, familial, susceptibility to, 2 (BROVCA2). Also called: BRCA2 Hereditary Breast and Ovarian Cancer. Identifiers: Orphanet 145, MedGen C2675520, MONDO:0012933, OMIM 612555. Disease mechanism: loss of function.

Allele frequency attached by ClinVar (database versions not stated): gnomAD exomes below 0.00001.
gnomAD v4.1: 1 of 1,612,996 alleles (0.000062%); highest among the groups gnomAD compares: Non-Finnish European, 0.000085%; no homozygotes.

Submissions (7):

Genomics and Molecular Medicine Service, East Genomic Laboratory Hub, NHS Genomic Medicine Service
Classification: Pathogenic for Inherited breast cancer and ovarian cancer. Last evaluated: 2024-10-16. Review status: criteria provided, single submitter. Criteria: ACGS Best Practice Guidelines for Variant Classification in Rare Disease 2020. Collection method: clinical testing. Allele origin: germline. Affected: yes.
Comment: PVS1,PS4_Supporting,PM2_Supporting

Ambry Genetics
Classification: Pathogenic for Hereditary cancer-predisposing syndrome. Last evaluated: 2022-03-25. Review status: criteria provided, single submitter. Criteria: Ambry Variant Classification Scheme 2023. Collection method: clinical testing. Allele origin: germline.
Comment: The c.67+1G>C intronic pathogenic mutation results from a G to C substitution one nucleotide after coding exon 1 of the BRCA2 gene. This alteration has been detected in 1/507 unselected Chinese breast cancer patients (Zhong X et al. PLoS ONE 2016 Jun;11:e0156789). Additionally, two other disease-causing mutations at the same position, c.67+1G>A and c.67+1G>T, have been identified in families with HBOC (Meyer P et al. Hum. Mutat. 2003 Sep;22:259; Sagi M et al. Fam. Cancer. 2011 Mar;10(1):59-63) and functional studies have shown that both of these alterations result in skipping of exon 2 (Bonatti F et al. Cancer Genet Cytogenet. 2006 Oct 15;170(2):93-101; Houdayer C et al. Hum. Mutat. 2012 Aug;33:1228-38). This variant is considered to be rare based on population cohorts in the Genome Aggregation Database (gnomAD). In silico splice site analysis predicts that this alteration will weaken the native splice donor site. RNA studies have demonstrated that this alteration results in abnormal splicing in the set of samples tested (Ambry internal data). In addition to the clinical data presented in the literature, alterations that disrupt the canonical splice site are expected to cause aberrant splicing, resulting in an abnormal protein or a transcript that is subject to nonsense-mediated mRNA decay. As such, this alteration is classified as a disease-causing mutation.

Labcorp Genetics (formerly Invitae), Labcorp
Classification: Pathogenic for Hereditary breast ovarian cancer syndrome. Last evaluated: 2020-12-23. Review status: criteria provided, single submitter. Criteria: Invitae Variant Classification Sherloc (09022015). Collection method: clinical testing. Allele origin: germline.
Comment: For these reasons, this variant has been classified as Pathogenic. Studies have shown that disruption of this splice site disrupts mRNA splicing and is expected to lead to the loss of protein expression (PMID: 17011979). Disruption of this splice site has been observed in individual(s) with breast cancer (PMID: 27257965, 30702160, 21063910). It has also been observed to segregate with disease in related individuals. ClinVar contains an entry for this variant (Variation ID: 224450). This variant is not present in population databases (ExAC no frequency). This sequence change affects a donor splice site in intron 2 of the BRCA2 gene. It is expected to disrupt RNA splicing. Variants that disrupt the donor or acceptor splice site typically lead to a loss of protein function (PMID: 16199547), and loss-of-function variants in BRCA2 are known to be pathogenic (PMID: 20104584).

Genetics and Molecular Pathology, SA Pathology
Classification: Pathogenic for Breast-ovarian cancer, familial, susceptibility to, 2. Last evaluated: 2020-11-09. Review status: criteria provided, single submitter. Criteria: ACMG Guidelines, 2015. Collection method: clinical testing. Allele origin: germline. Affected: yes.

Genetic Services Laboratory, University of Chicago
Classification: Pathogenic. Last evaluated: 2020-03-09. Review status: criteria provided, single submitter. Criteria: ACMG Guidelines, 2015. Collection method: clinical testing. Allele origin: germline. Affected: yes.

Quest Diagnostics Nichols Institute San Juan Capistrano
Classification: Likely pathogenic for Breast-ovarian cancer, familial, susceptibility to, 2. Last evaluated: 2016-03-04. Review status: criteria provided, single submitter. Criteria: Quest Diagnostics criteria. Collection method: clinical testing. Allele origin: germline. Inheritance: Autosomal dominant inheritance.

Laboratory of Molecular Diagnosis of Cancer, West China Hospital, Sichuan University
Classification: Pathogenic for Breast neoplasm. Last evaluated: 2015-11-01. Review status: criteria provided, single submitter. Criteria: ACMG Guidelines, 2015. Collection method: research. Allele origin: germline. Affected: yes. Observed: 1 variant allele.

Literature cited by the submitters: PubMed 12938098 (cited by Ambry Genetics); PubMed 17011978 (cited by Ambry Genetics and Quest Diagnostics Nichols Institute San Juan Capistrano); PubMed 21063910 (cited by 3 submitters); PubMed 22505045 (cited by Ambry Genetics); PubMed 27257965 (cited by 3 submitters); PubMed 17011979 (cited by Labcorp Genetics (formerly Invitae), Labcorp); PubMed 30702160 (cited by Labcorp Genetics (formerly Invitae), Labcorp); PubMed 16199547 (cited by Labcorp Genetics (formerly Invitae), Labcorp); PubMed 20104584 (cited by Labcorp Genetics (formerly Invitae), Labcorp); PubMed 22399190 (cited by Quest Diagnostics Nichols Institute San Juan Capistrano); PubMed 26295337 (cited by Quest Diagnostics Nichols Institute San Juan Capistrano).

NM_000059.4(BRCA2):c.67+1G>C

Gene: BRCA2 (BRCA2 DNA repair associated; plus strand). Cytogenetic location: 13q13.1.
Variant type: single nucleotide variant.
Coding change: c.67+1G>C on transcript NM_000059.4 (MANE Select); the canonical splice donor site of the intron after coding-DNA position 67, G replaced by C.
Molecular consequence: splice donor variant. On other transcripts: intron variant (1).
Genome position (GRCh38, 1-based): chr13:32,316,528, G>C. VCF-style: chr13-32316528-G-C. GRCh37 (hg19) VCF-style: chr13-32890665-G-C.
Other names: c.67+1G>C (NM_001406720.1, NM_001406719.1, NM_001406721.1); c.-303+861G>C (NM_001406722.1).
Identifiers: ClinVar variation 224450 (VCV000224450.20), dbSNP rs81002796, ClinGen allele CA10575902.